The following is an entry in ClinVar:

NM_006231.4(POLE):c.3854A>C (p.Gln1285Pro)

Gene: POLE (DNA polymerase epsilon, catalytic subunit; minus strand). Cytogenetic location: 12q24.33.
Variant type: single nucleotide variant.
Coding change: c.3854A>C on transcript NM_006231.4 (MANE Select); coding-DNA position 3854, A replaced by C.
Protein change: p.Gln1285Pro; replaces glutamine 1285 with proline.
Molecular consequence: missense variant.
Genome position (GRCh38, 1-based): chr12:132,649,457, T>G on the plus strand (A>C on the coding strand, the complement: POLE is on the minus strand). VCF-style: chr12-132649457-T-G. GRCh37 (hg19) VCF-style: chr12-133226043-T-G.
Other names: short protein forms Q1285P.
Identifiers: ClinVar variation 1511819 (VCV001511819.8), dbSNP rs566217456, ClinGen allele CA387385400.

ClinVar aggregate classification (germline): Uncertain significance (1 of 4 stars; one submission).

gnomAD v4.1: 1 of 1,612,084 alleles (0.000062%); highest among the groups gnomAD compares: Non-Finnish European, 0.000085%; no homozygotes.

Submission:

Labcorp Genetics (formerly Invitae), Labcorp
Classification: Uncertain significance. Last evaluated: 2021-02-18. Review status: criteria provided, single submitter. Criteria: Invitae Variant Classification Sherloc (09022015). Collection method: clinical testing. Allele origin: germline.
Comment: In summary, the available evidence is currently insufficient to determine the role of this variant in disease. Therefore, it has been classified as a Variant of Uncertain Significance. Algorithms developed to predict the effect of missense changes on protein structure and function are either unavailable or do not agree on the potential impact of this missense change (SIFT: "Deleterious"; PolyPhen-2: "Possibly Damaging"; Align-GVGD: "Class C0"). This variant has not been reported in the literature in individuals with POLE-related conditions. This variant is not present in population databases (ExAC no frequency). This sequence change replaces glutamine with proline at codon 1285 of the POLE protein (p.Gln1285Pro). The glutamine residue is highly conserved and there is a moderate physicochemical difference between glutamine and proline.